The following is an entry in ClinVar:

NM_173495.3(PTCHD1):c.542A>C (p.Lys181Thr)

Gene: PTCHD1 (patched domain containing 1; plus strand). Cytogenetic location: Xp22.11.
Variant type: single nucleotide variant.
Coding change: c.542A>C on transcript NM_173495.3 (MANE Select); coding-DNA position 542, A replaced by C.
Protein change: p.Lys181Thr; replaces lysine 181 with threonine.
Molecular consequence: missense variant.
Genome position (GRCh38, 1-based): chrX:23,379,781, A>C. VCF-style: chrX-23379781-A-C. GRCh37 (hg19) VCF-style: chrX-23397898-A-C.
Other names: short protein forms K181T.
Identifiers: ClinVar variation 402218 (VCV000402218.10), dbSNP rs1060499778, ClinGen allele CA16609547.

ClinVar aggregate classification (germline): Conflicting classifications of pathogenicity. Review status: criteria provided, conflicting classifications (1 of 4 stars). 3 submissions from 3 submitters: Likely pathogenic (2); Uncertain significance (1). Last evaluated 2025-08-01.

Conditions:
Abnormal brain morphology. Also called: Abnormality of brain morphology. Identifiers: MedGen C4021085, HP:0012443.
Autism, susceptibility to, X-linked 4 (AUTSX4). Identifiers: MedGen C0795888, MONDO:0010440, OMIM 300830.

gnomAD v4.1: 1 of 1,211,405 alleles (0.000083%); no homozygotes.

Submissions (3):

CeGaT Center for Human Genetics Tuebingen
Classification: Uncertain significance. Last evaluated: 2025-08-01. Review status: criteria provided, single submitter. Criteria: CeGaT Center For Human Genetics Tuebingen Variant Classification Criteria Version 2. Collection method: clinical testing. Allele origin: germline. Affected: yes. Observed: 2 variant alleles.
Comment: PTCHD1: PM2, PS4:Supporting

3billion
Classification: Likely pathogenic for Autism, susceptibility to, X-linked 4. Last evaluated: 2022-01-03. Review status: criteria provided, single submitter. Criteria: ACMG Guidelines, 2015. Collection method: clinical testing. Allele origin: germline. Affected: yes. Observed: 1 hemizygote.
Comment: Same nucleotide change resulting in same amino acid change has been previously reported to be associated with PTCHD1 related disorder (ClinVar ID: VCV000402218, PMID:26539891). Functional studies provide strong evidence of the variant having a damaging effect on the gene or gene product (PMID: 33856728, PS3_S). It is not observed in the gnomAD v2.1.1 dataset (PM2_M).Therefore, this variant is classified as likely pathogenic according to the recommendation of ACMG/AMP guideline.

Lupski Lab, Baylor-Hopkins CMG, Baylor College of Medicine
Classification: Likely pathogenic for Abnormal brain morphology. Review status: criteria provided, single submitter. Criteria: Karaca et al. (Neuron 2015). Collection method: research. Allele origin: inherited. Inheritance: X-linked inheritance. Affected: yes.

Literature cited by the submitters: PubMed 33856728 (cited by 3billion); PubMed 26539891 (cited by 3billion).